The following is an entry in ClinVar:

ClinVar aggregate classification (germline): Uncertain significance (1 of 4 stars; one submission).

Conditions:
Dystonic disorder. Also called: Dystonia. Identifiers: MedGen C0013421, MONDO:0003441, HP:0001332.

gnomAD v4.1: 1 of 1,613,440 alleles (0.000062%); no homozygotes.

Submission:

Labcorp Genetics (formerly Invitae), Labcorp
Classification: Uncertain significance for Dystonic disorder. Last evaluated: 2023-02-18. Review status: criteria provided, single submitter. Criteria: Invitae Variant Classification Sherloc (09022015). Collection method: clinical testing. Allele origin: germline.
Comment: Algorithms developed to predict the effect of sequence changes on RNA splicing suggest that this variant may disrupt the consensus splice site. In summary, the available evidence is currently insufficient to determine the role of this variant in disease. Therefore, it has been classified as a Variant of Uncertain Significance. This variant has not been reported in the literature in individuals affected with ANO3-related conditions. This variant is not present in population databases (gnomAD no frequency). This sequence change affects a donor splice site in intron 20 of the ANO3 gene. It is expected to disrupt RNA splicing. Variants that disrupt the donor or acceptor splice site typically lead to a loss of protein function (PMID: 16199547), however the current clinical and genetic evidence is not sufficient to establish whether loss-of-function variants in ANO3 cause disease.

Literature cited by the submitters: PubMed 16199547.

NM_031418.4(ANO3):c.2043+1G>A

Gene: ANO3 (anoctamin 3; plus strand). Cytogenetic location: 11p14.2.
Variant type: single nucleotide variant.
Coding change: c.2043+1G>A on transcript NM_031418.4 (MANE Select); the canonical splice donor site of the intron after coding-DNA position 2043, G replaced by A.
Molecular consequence: splice donor variant.
Genome position (GRCh38, 1-based): chr11:26,635,071, G>A. VCF-style: chr11-26635071-G-A. GRCh37 (hg19) VCF-style: chr11-26656618-G-A.
Other names: c.2226+1G>A (NM_001313726.2); c.1605+1G>A (NM_001313727.2).
Identifiers: ClinVar variation 3015931 (VCV003015931.3), dbSNP rs2538993362, ClinGen allele CA379935131.